The following is an entry in ClinVar:

NM_182961.4(SYNE1):c.5259T>C (p.Ile1753=)

Gene: SYNE1 (spectrin repeat containing nuclear envelope protein 1; minus strand). Cytogenetic location: 6q25.2.
Variant type: single nucleotide variant.
Coding change: c.5259T>C on transcript NM_182961.4 (MANE Select); coding-DNA position 5259, T replaced by C.
Protein change: p.Ile1753=; no amino-acid change (isoleucine 1753 retained).
Molecular consequence: synonymous variant.
Genome position (GRCh38, 1-based): chr6:152,425,389, A>G on the plus strand (T>C on the coding strand, the complement: SYNE1 is on the minus strand). VCF-style: chr6-152425389-A-G. GRCh37 (hg19) VCF-style: chr6-152746524-A-G.
Other names: p.Ile1760=; c.5280T>C, p.Ile1760= (NM_033071.5).
Identifiers: ClinVar variation 283030 (VCV000283030.93), dbSNP rs147508177, ClinGen allele CA4058338.
Genomic context (GRCh38, chr6:152,425,389, plus strand): 5'-ATCATTTAAAAACAAATGAACAATATTAGAAGATTTATCTTTTAGAACCAACCTTTTGTT[A>G]ATGATCTGTGGTAAATCTCTCCATCTCTCATCCAACTGCTCCAAATGTAGTTTCATCATT-3'
Protein context (NP_892006.3, residues 1743-1763): DERWRDLPQI[Ile1753=]NKRINFLQSV

ClinVar aggregate classification (germline): Conflicting classifications of pathogenicity. Review status: criteria provided, conflicting classifications (1 of 4 stars). 12 submissions from 11 submitters: Uncertain significance (2); Benign (1); Likely benign (8). 1 of the submissions does not count toward it. Last evaluated 2026-04-01.

Conditions:
SYNE1-related disorder. Also called: SYNE1-related disorders; SYNE1-related disease; SYNE1-related condition.
Autosomal recessive ataxia, Beauce type. Also called: ATAXIA, RECESSIVE, OF BEAUCE; Spinocerebellar ataxia, autosomal recessive 8; SYNE1-Related Autosomal Recessive Cerebellar Ataxia; SYNE1 Deficiency. Identifiers: Orphanet 88644, MedGen C1853116, MONDO:0012549, OMIM 610743.
Emery-Dreifuss muscular dystrophy 4, autosomal dominant (EDMD4). Also called: EMERY-DREIFUSS MUSCULAR DYSTROPHY 4 WITH VARIABLE FEATURES. Identifiers: Orphanet 261, MedGen C2751807, MONDO:0013071, OMIM 612998.

Allele frequency attached by ClinVar (database versions not stated): ESP Exome Variant Server 0.00015; gnomAD exomes 0.00040 and 0.00058; ExAC 0.00042; TOPMed 0.00046; gnomAD 0.00051 and 0.00052.
gnomAD v4.1: 919 of 1,614,088 alleles (0.057%); highest among the groups gnomAD compares: Non-Finnish European, 0.074%; no homozygotes.

Submissions (12):

CeGaT Center for Human Genetics Tuebingen
Classification: Likely benign. Last evaluated: 2026-04-01. Review status: criteria provided, single submitter. Criteria: CeGaT Center For Human Genetics Tuebingen Variant Classification Criteria Version 2. Collection method: clinical testing. Allele origin: germline. Affected: yes. Observed: 6 variant alleles.
Comment: SYNE1: BP4, BP7

Labcorp Genetics (formerly Invitae), Labcorp
Classification: Likely benign for Emery-Dreifuss muscular dystrophy 4, autosomal dominant; Autosomal recessive ataxia, Beauce type. Last evaluated: 2026-01-17. Review status: criteria provided, single submitter. Criteria: Invitae Variant Classification Sherloc (09022015). Collection method: clinical testing. Allele origin: germline.

Women's Health and Genetics/Laboratory Corporation of America, LabCorp
Classification: Likely benign. Last evaluated: 2025-10-15. Review status: criteria provided, single submitter. Criteria: LabCorp Variant Classification Summary - May 2015. Collection method: clinical testing. Allele origin: germline.

Laboratory of Genetics, Children's Clinical University Hospital Latvia
Classification: Likely benign. Last evaluated: 2025-02-16. Review status: criteria provided, single submitter. Criteria: ACMG Guidelines, 2015. Collection method: clinical testing. Allele origin: germline. Affected: yes.

Mayo Clinic Laboratories, Mayo Clinic
Classification: Likely benign. Last evaluated: 2025-01-10. Review status: criteria provided, single submitter. Criteria: ACMG Guidelines, 2015. Collection method: clinical testing. Allele origin: germline. Observed: 2 variant alleles.
Comment: BP4, BP7

Blueprint Genetics
Classification: Likely benign. Last evaluated: 2024-08-22. Review status: criteria provided, single submitter. Criteria: ACMG Guidelines, 2015. Collection method: clinical testing. Allele origin: germline.

GeneDx
Classification: Likely benign. Last evaluated: 2020-10-08. Review status: criteria provided, single submitter. Criteria: GeneDx Variant Classification Process June 2021. Collection method: clinical testing. Allele origin: germline. Affected: yes.

Athena Diagnostics
Classification: Likely benign. Last evaluated: 2019-08-14. Review status: criteria provided, single submitter. Criteria: Athena Diagnostics Criteria. Collection method: clinical testing. Allele origin: germline.

Illumina Laboratory Services, Illumina
Classification: Uncertain significance for Autosomal recessive ataxia, Beauce type. Last evaluated: 2018-01-12. Review status: criteria provided, single submitter. Criteria: ICSL Variant Classification Criteria 13 December 2019. Collection method: clinical testing. Allele origin: germline.

Illumina Laboratory Services, Illumina
Classification: Benign for Emery-Dreifuss muscular dystrophy 4, autosomal dominant. Last evaluated: 2018-01-12. Review status: criteria provided, single submitter. Criteria: ICSL Variant Classification Criteria 13 December 2019. Collection method: clinical testing. Allele origin: germline.
Comment: This variant was observed in the ICSL laboratory as part of a predisposition screen in an ostensibly healthy population. It had not been previously curated by ICSL or reported in the Human Gene Mutation Database (HGMD: prior to June 1st, 2018), and was therefore a candidate for classification through an automated scoring system. Utilizing variant allele frequency, disease prevalence and penetrance estimates, and inheritance mode, an automated score was calculated to assess if this variant is too frequent to cause the disease. Based on the score and internal cut-off values, a variant classified as benign is not then subjected to further curation. The score for this variant resulted in a classification of benign for this disease.

Eurofins Ntd Llc (ga)
Classification: Uncertain significance. Last evaluated: 2015-09-14. Review status: criteria provided, single submitter. Criteria: EGL Classification Definitions 2015. Collection method: clinical testing. Allele origin: germline. Observed: 3 variant alleles, 3 heterozygotes.

PreventionGenetics, part of Exact Sciences
Classification: Likely benign for SYNE1-related condition. Last evaluated: 2020-01-10. Review status: no assertion criteria provided. Collection method: clinical testing. Allele origin: germline. Not counted in ClinVar's aggregate classification.
Comment: This variant is classified as likely benign based on ACMG/AMP sequence variant interpretation guidelines (Richards et al. 2015 PMID: 25741868, with internal and published modifications).